The following is an entry in ClinVar:

NM_004004.6(GJB2):c.494G>A (p.Arg165Gln)

Gene: GJB2 (gap junction protein beta 2; minus strand). Cytogenetic location: 13q12.11.
Variant type: single nucleotide variant.
Coding change: c.494G>A on transcript NM_004004.6 (MANE Select); coding-DNA position 494, G replaced by A.
Protein change: p.Arg165Gln; replaces arginine 165 with glutamine.
Molecular consequence: missense variant.
Genome position (GRCh38, 1-based): chr13:20,189,088, C>T on the plus strand (G>A on the coding strand, the complement: GJB2 is on the minus strand). VCF-style: chr13-20189088-C-T. GRCh37 (hg19) VCF-style: chr13-20763227-C-T.
Other names: short protein forms R165Q.
Identifiers: ClinVar variation 4749310 (VCV004749310.2).

ClinVar aggregate classification (germline): Uncertain significance. Review status: criteria provided, multiple submitters, no conflicts (2 of 4 stars). 2 submissions from 2 submitters: Uncertain significance (2). Last evaluated 2026-01-08.

Conditions:
Monogenic hearing loss.

gnomAD v4.1: 10 of 1,613,950 alleles (0.00062%); highest among the groups gnomAD compares: South Asian, 0.0055%; no homozygotes.

Submissions (2):

Genetics Laboratory, Great Ormond Street Hospital NHS Foundation Trust, North Thames Genomic Laboratory Hub
Classification: Uncertain significance for Monogenic hearing loss. Last evaluated: 2026-01-08. Review status: criteria provided, single submitter. Criteria: ACGS Best Practice Guidelines for Variant Classification in Rare Disease 2024 v1.2. Collection method: clinical testing. Allele origin: germline. Affected: yes.
Comment: PM2_moderate, PP3_supporting, PM3_supporting

Labcorp Genetics (formerly Invitae), Labcorp
Classification: Uncertain significance. Last evaluated: 2025-04-27. Review status: criteria provided, single submitter. Criteria: Invitae Variant Classification Sherloc (09022015). Collection method: clinical testing. Allele origin: germline.
Comment: This sequence change replaces arginine, which is basic and polar, with glutamine, which is neutral and polar, at codon 165 of the GJB2 protein (p.Arg165Gln). This variant is present in population databases (rs777588424, gnomAD 0.01%). This missense change has been observed in individual(s) with deafness (PMID: 37107638). Invitae Evidence Modeling of protein sequence and biophysical properties (such as structural, functional, and spatial information, amino acid conservation, physicochemical variation, residue mobility, and thermodynamic stability) indicates that this missense variant is expected to disrupt GJB2 protein function with a positive predictive value of 80%. In summary, the available evidence is currently insufficient to determine the role of this variant in disease. Therefore, it has been classified as a Variant of Uncertain Significance.

Literature cited by the submitters: PubMed 37107638 (cited by Labcorp Genetics (formerly Invitae), Labcorp).